The following is an entry in ClinVar:

ClinVar aggregate classification (germline): Uncertain significance (1 of 4 stars; one submission).

Conditions:
Werner syndrome (WRN). Identifiers: Orphanet 902, MedGen C0043119, MONDO:0010196, OMIM 277700.

Allele frequency attached by ClinVar (database versions not stated): gnomAD exomes below 0.00001.
gnomAD v4.1: 2 of 1,592,512 alleles (0.00013%); highest among the groups gnomAD compares: South Asian, 0.0022%; no homozygotes.

Submission:

Labcorp Genetics (formerly Invitae), Labcorp
Classification: Uncertain significance for Werner syndrome. Last evaluated: 2024-04-10. Review status: criteria provided, single submitter. Criteria: Invitae Variant Classification Sherloc (09022015). Collection method: clinical testing. Allele origin: germline.
Comment: This sequence change replaces lysine, which is basic and polar, with asparagine, which is neutral and polar, at codon 1113 of the WRN protein (p.Lys1113Asn). This variant is not present in population databases (gnomAD no frequency). This variant has not been reported in the literature in individuals affected with WRN-related conditions. ClinVar contains an entry for this variant (Variation ID: 1011497). Algorithms developed to predict the effect of missense changes on protein structure and function output the following: SIFT: "Not Available"; PolyPhen-2: "Benign"; Align-GVGD: "Not Available". The asparagine amino acid residue is found in multiple mammalian species, which suggests that this missense change does not adversely affect protein function. In summary, the available evidence is currently insufficient to determine the role of this variant in disease. Therefore, it has been classified as a Variant of Uncertain Significance.

NM_000553.6(WRN):c.3339A>T (p.Lys1113Asn)

Gene: WRN (WRN RecQ like helicase; plus strand). Cytogenetic location: 8p12.
Variant type: single nucleotide variant.
Coding change: c.3339A>T on transcript NM_000553.6 (MANE Select); coding-DNA position 3339, A replaced by T.
Protein change: p.Lys1113Asn; replaces lysine 1113 with asparagine.
Molecular consequence: missense variant.
Genome position (GRCh38, 1-based): chr8:31,143,579, A>T. VCF-style: chr8-31143579-A-T. GRCh37 (hg19) VCF-style: chr8-31001095-A-T.
Other names: short protein forms K1113N.
Identifiers: ClinVar variation 1011497 (VCV001011497.5), dbSNP rs1802745176, ClinGen allele CA370924071.